The following is an entry in ClinVar:

ClinVar aggregate classification (germline): Uncertain significance. Review status: criteria provided, multiple submitters, no conflicts (2 of 4 stars). 6 submissions from 6 submitters: Uncertain significance (5). 1 of the submissions does not count toward it. Last evaluated 2025-08-12.

Conditions:
Acyl-CoA dehydrogenase 9 deficiency. Also called: Acyl-CoA dehydrogenase family, member 9, deficiency of; MITOCHONDRIAL COMPLEX I DEFICIENCY, NUCLEAR TYPE 20. Identifiers: Orphanet 99901, MedGen C4747517, MONDO:0012624, OMIM 611126.
Inborn genetic diseases. Identifiers: MedGen C0950123, MeSH D030342.

Allele frequency attached by ClinVar (database versions not stated): ExAC 0.00003; gnomAD exomes 0.00005; ESP Exome Variant Server 0.00008; TOPMed 0.00008; gnomAD 0.00009.
gnomAD v4.1: 368 of 1,613,780 alleles (0.023%); highest among the groups gnomAD compares: Non-Finnish European, 0.03%; no homozygotes.

Submissions (6):

Ambry Genetics
Classification: Uncertain significance for Inborn genetic diseases. Last evaluated: 2025-08-12. Review status: criteria provided, single submitter. Criteria: Ambry Variant Classification Scheme 2023. Collection method: clinical testing. Allele origin: germline.

Mayo Clinic Laboratories, Mayo Clinic
Classification: Uncertain significance. Last evaluated: 2024-07-29. Review status: criteria provided, single submitter. Criteria: ACMG Guidelines, 2015. Collection method: clinical testing. Allele origin: germline. Observed: 2 variant alleles.
Comment: PP3

GeneDx
Classification: Uncertain significance. Last evaluated: 2024-02-08. Review status: criteria provided, single submitter. Criteria: GeneDx Variant Classification Process June 2021. Collection method: clinical testing. Allele origin: germline. Affected: yes.
Comment: Not observed at a significant frequency in large population cohorts (gnomAD); In silico analysis supports that this missense variant has a deleterious effect on protein structure/function; Has not been previously published as pathogenic or benign to our knowledge

Blueprint Genetics
Classification: Uncertain significance. Last evaluated: 2024-01-03. Review status: criteria provided, single submitter. Criteria: ACMG Guidelines, 2015. Collection method: clinical testing. Allele origin: germline.

Labcorp Genetics (formerly Invitae), Labcorp
Classification: Uncertain significance. Last evaluated: 2022-09-13. Review status: criteria provided, single submitter. Criteria: Invitae Variant Classification Sherloc (09022015). Collection method: clinical testing. Allele origin: germline.
Comment: This sequence change replaces alanine, which is neutral and non-polar, with glycine, which is neutral and non-polar, at codon 545 of the ACAD9 protein (p.Ala545Gly). This variant is present in population databases (rs375541221, gnomAD 0.01%). This variant has not been reported in the literature in individuals affected with ACAD9-related conditions. ClinVar contains an entry for this variant (Variation ID: 1197496). Advanced modeling of protein sequence and biophysical properties (such as structural, functional, and spatial information, amino acid conservation, physicochemical variation, residue mobility, and thermodynamic stability) performed at Invitae indicates that this missense variant is expected to disrupt ACAD9 protein function. In summary, the available evidence is currently insufficient to determine the role of this variant in disease. Therefore, it has been classified as a Variant of Uncertain Significance.

Natera, Inc.
Classification: Uncertain significance for ACAD9 deficiency. Last evaluated: 2020-01-29. Review status: no assertion criteria provided. Collection method: clinical testing. Allele origin: germline. Not counted in ClinVar's aggregate classification.

NM_014049.5(ACAD9):c.1634C>G (p.Ala545Gly)

Genes: ACAD9 (acyl-CoA dehydrogenase family member 9; plus strand), CFAP92 (cilia and flagella associated protein 92 (putative); minus strand). Cytogenetic location: 3q21.3.
Variant type: single nucleotide variant.
Coding change: c.1634C>G on transcript NM_014049.5 (MANE Select); coding-DNA position 1634, C replaced by G.
Protein change: p.Ala545Gly; replaces alanine 545 with glycine.
Molecular consequence: missense variant. On other transcripts: non-coding transcript variant (1), 3 prime UTR variant (3).
Genome position (GRCh38, 1-based): chr3:128,910,091, C>G. VCF-style: chr3-128910091-C-G. GRCh37 (hg19) VCF-style: chr3-128628934-C-G.
Other names: p.Ala545Gly; c.1265C>G, p.Ala422Gly (NM_001410805.1); c.*208G>C (NM_001348520.2, NM_001348521.2, NM_001394090.1); short protein forms A545G, A422G.
Identifiers: ClinVar variation 1197496 (VCV001197496.9), dbSNP rs375541221, ClinGen allele CA2601625.